The following is an entry in ClinVar:

ClinVar aggregate classification (germline): Uncertain significance (1 of 4 stars; one submission).

Conditions:
Cardiovascular phenotype. Identifiers: MedGen CN230736.

gnomAD v4.1: 2 of 1,550,544 alleles (0.00013%); highest among the groups gnomAD compares: African/African-American, 0.0014%; no homozygotes.

Submission:

Ambry Genetics
Classification: Uncertain significance for Cardiovascular phenotype. Last evaluated: 2023-06-01. Review status: criteria provided, single submitter. Criteria: Ambry Variant Classification Scheme 2023. Collection method: clinical testing. Allele origin: germline.
Comment: The p.G2713R variant (also known as c.8137G>A), located in coding exon 2 of the ZNF469 gene, results from a G to A substitution at nucleotide position 8137. The glycine at codon 2713 is replaced by arginine, an amino acid with dissimilar properties. This amino acid position is conserved. In addition, this alteration is predicted to be tolerated by in silico analysis. Since supporting evidence is limited at this time, the clinical significance of this alteration remains unclear.

NM_001367624.2(ZNF469):c.8221G>A (p.Gly2741Arg)

Gene: ZNF469 (zinc finger protein 469; plus strand). Cytogenetic location: 16q24.2.
Variant type: single nucleotide variant.
Coding change: c.8221G>A on transcript NM_001367624.2 (MANE Select); coding-DNA position 8221, G replaced by A.
Protein change: p.Gly2741Arg; replaces glycine 2741 with arginine.
Molecular consequence: missense variant.
Genome position (GRCh38, 1-based): chr16:88,435,691, G>A. VCF-style: chr16-88435691-G-A. GRCh37 (hg19) VCF-style: chr16-88502099-G-A.
Other names: NM_001127464.1:c.8137G>A; short protein forms G2741R.
Identifiers: ClinVar variation 2564272 (VCV002564272.2), dbSNP rs1906522264, ClinGen allele CA397116682.